The following is an entry in ClinVar:

NM_002133.3(HMOX1):c.621C>T (p.Phe207=)

Gene: HMOX1 (heme oxygenase 1; plus strand). Cytogenetic location: 22q12.3.
Variant type: single nucleotide variant.
Coding change: c.621C>T on transcript NM_002133.3 (MANE Select); coding-DNA position 621, C replaced by T.
Protein change: p.Phe207=; no amino-acid change (phenylalanine 207 retained).
Molecular consequence: synonymous variant.
Genome position (GRCh38, 1-based): chr22:35,387,161, C>T. VCF-style: chr22-35387161-C-T. GRCh37 (hg19) VCF-style: chr22-35783154-C-T.
Other names: p.Phe207=.
Identifiers: ClinVar variation 1103640 (VCV001103640.12), dbSNP rs144886838, ClinGen allele CA10204766.
Genomic context (GRCh38, chr22:35,387,161, plus strand): 5'-CTCCCTGGAGATGACTCCCGCAGTCAGGCAGAGGGTGATAGAAGAGGCCAAGACTGCGTT[C>T]CTGCTCAACATCCAGGTGAGGGTCGGGCAGCCTGGGGCAGCCTCTGCCTCCCCCCGTTGT-3'
Protein context (NP_002124.1, residues 197-217): QRVIEEAKTA[Phe207=]LLNIQLFEEL

ClinVar aggregate classification (germline): Likely benign. Review status: criteria provided, multiple submitters, no conflicts (2 of 4 stars). 4 submissions from 4 submitters: Likely benign (4). Last evaluated 2026-01-27.

Allele frequency attached by ClinVar (database versions not stated): 1000 Genomes Project 0.00020; TOPMed 0.00046; 1000 Genomes Project 30x 0.00047; gnomAD 0.00051 and 0.00052; ESP Exome Variant Server 0.00069; gnomAD exomes 0.00073; ExAC 0.00092.

Submissions (4):

Labcorp Genetics (formerly Invitae), Labcorp
Classification: Likely benign. Last evaluated: 2026-01-27. Review status: criteria provided, single submitter. Criteria: Invitae Variant Classification Sherloc (09022015). Collection method: clinical testing. Allele origin: germline.

Mayo Clinic Laboratories, Mayo Clinic
Classification: Likely benign. Last evaluated: 2025-09-25. Review status: criteria provided, single submitter. Criteria: ACMG Guidelines, 2015. Collection method: clinical testing. Allele origin: germline. Observed: 3 variant alleles.
Comment: BP4, BP7

Blueprint Genetics
Classification: Likely benign. Last evaluated: 2024-11-12. Review status: criteria provided, single submitter. Criteria: ACMG Guidelines, 2015. Collection method: clinical testing. Allele origin: germline.

Breakthrough Genomics
Classification: Likely benign. Review status: criteria provided, single submitter. Criteria: ACMG Guidelines, 2015. Collection method: not provided. Allele origin: germline. Inheritance: Autosomal recessive inheritance. Affected: yes.